The following is an entry in ClinVar:

ClinVar aggregate classification (germline): Uncertain significance. Review status: criteria provided, multiple submitters, no conflicts (2 of 4 stars). 3 submissions from 3 submitters: Uncertain significance (3). Last evaluated 2025-09-26.

Conditions:
Inborn genetic diseases. Identifiers: MedGen C0950123, MeSH D030342.
Epilepsy, familial focal, with variable foci 1 (FFEVF1). Also called: DEPDC5-Related Epilepsy. Identifiers: MedGen C4551983, MONDO:0024556, OMIM 604364.
Familial focal epilepsy with variable foci (FPEVF). Identifiers: Orphanet 98820, MedGen C1858477, MONDO:0020310.

Allele frequency attached by ClinVar (database versions not stated): gnomAD exomes 0.00001 and 0.00003; ExAC 0.00002; gnomAD 0.00002; TOPMed 0.00003.
gnomAD v4.1: 45 of 1,614,046 alleles (0.0028%); highest among the groups gnomAD compares: Non-Finnish European, 0.0038%; no homozygotes.

Submissions (3):

Ambry Genetics
Classification: Uncertain significance for Inborn genetic diseases. Last evaluated: 2025-09-26. Review status: criteria provided, single submitter. Criteria: Ambry Variant Classification Scheme 2023. Collection method: clinical testing. Allele origin: germline.

Labcorp Genetics (formerly Invitae), Labcorp
Classification: Uncertain significance for Familial focal epilepsy with variable foci. Last evaluated: 2024-03-17. Review status: criteria provided, single submitter. Criteria: Invitae Variant Classification Sherloc (09022015). Collection method: clinical testing. Allele origin: germline.
Comment: This sequence change replaces histidine, which is basic and polar, with arginine, which is basic and polar, at codon 32 of the DEPDC5 protein (p.His32Arg). This variant is present in population databases (rs760541660, gnomAD 0.004%). This variant has not been reported in the literature in individuals affected with DEPDC5-related conditions. ClinVar contains an entry for this variant (Variation ID: 1045465). Experimental studies and prediction algorithms are not available or were not evaluated, and the functional significance of this variant is currently unknown. In summary, the available evidence is currently insufficient to determine the role of this variant in disease. Therefore, it has been classified as a Variant of Uncertain Significance.

Victorian Clinical Genetics Services, Murdoch Childrens Research Institute
Classification: Uncertain significance for Epilepsy, familial focal, with variable foci 1. Last evaluated: 2019-08-28. Review status: criteria provided, single submitter. Criteria: ACMG Guidelines, 2015. Collection method: clinical testing. Allele origin: germline. Inheritance: Autosomal dominant inheritance. Affected: yes.
Comment: A heterozygous missense variant was identified, NM_001242896.2(DEPDC5):c.95A>G in exon 3 of 43 of the DEPDC5 gene. This substitution is predicted to create a minor amino acid change from histidine to arginine at position 32 of the protein, NP_001229825.1(DEPDC5):p.(His32Arg). The histidine at this position has low conservation (100 vertebrates, UCSC), and not situated in a known functional domain. In silico software predictions of the pathogenicity of this variant are conflicting (Polyphen, SIFT, CADD, Mutation Taster). The variant is present in the gnomAD population database at a frequency of 0.0014% (4 heterozygotes). An alternative residue change at the same location has been reported in the gnomAD database at a frequency of 0.00040%. The variant has not been previously reported in a clinical setting. Based on information available at the time of curation, this variant has been classified as a VARIANT of UNCERTAIN SIGNIFICANCE (VUS) with LOW CLINICAL RELEVANCE.

NM_001242896.3(DEPDC5):c.95A>G (p.His32Arg)

Gene: DEPDC5 (DEP domain containing 5, GATOR1 subcomplex subunit; plus strand). Cytogenetic location: 22q12.2.
Variant type: single nucleotide variant.
Coding change: c.95A>G on transcript NM_001242896.3 (MANE Select); coding-DNA position 95, A replaced by G.
Protein change: p.His32Arg; replaces histidine 32 with arginine.
Molecular consequence: missense variant. On other transcripts: non-coding transcript variant (5).
Genome position (GRCh38, 1-based): chr22:31,758,582, A>G. VCF-style: chr22-31758582-A-G. GRCh37 (hg19) VCF-style: chr22-32154568-A-G.
Other names: c.95A>G (NM_001242896.1); c.95A>G, p.His32Arg (NM_001007188.4, NM_001136029.4, NM_001242897.2 and 9 more transcripts); short protein forms H32R.
Identifiers: ClinVar variation 1045465 (VCV001045465.11), dbSNP rs760541660, ClinGen allele CA10195815.